The following is an entry in ClinVar:

ClinVar aggregate classification (germline): Likely benign. Review status: criteria provided, multiple submitters, no conflicts (2 of 4 stars). 4 submissions from 4 submitters: Likely benign (4). Last evaluated 2024-01-08.

Conditions:
Wilson disease (WND). Also called: Wilson's disease. Identifiers: Orphanet 905, MedGen C0019202, MONDO:0010200, OMIM 277900. Disease mechanism: loss of function.

Allele frequency attached by ClinVar (database versions not stated): gnomAD exomes below 0.00001 and 0.00001; TOPMed below 0.00001; ExAC 0.00002.
gnomAD v4.1: 2 of 1,614,044 alleles (0.00012%); highest among the groups gnomAD compares: Non-Finnish European, 0.00017%; no homozygotes.

Submissions (4):

All of Us Research Program, National Institutes of Health
Classification: Likely benign for Wilson disease. Last evaluated: 2024-01-08. Review status: criteria provided, single submitter. Criteria: ACMG Guidelines, 2015. Collection method: clinical testing. Allele origin: germline. Inheritance: Autosomal recessive inheritance. Observed: 3 variant alleles, 3 heterozygotes.
Comment: This study involves interpretation of variants in research participants for the purpose of population health screening. Participant phenotype was not available at the time of variant classification. Additional details can be found in publication PMID: 35346344, PMCID: PMC8962531

Color Diagnostics, LLC DBA Color Health
Classification: Likely benign for Wilson disease. Last evaluated: 2023-02-01. Review status: criteria provided, single submitter. Criteria: ACMG Guidelines, 2015. Collection method: clinical testing. Allele origin: germline.

Labcorp Genetics (formerly Invitae), Labcorp
Classification: Likely benign for Wilson disease. Last evaluated: 2022-12-29. Review status: criteria provided, single submitter. Criteria: Invitae Variant Classification Sherloc (09022015). Collection method: clinical testing. Allele origin: germline.

Fulgent Genetics
Classification: Likely benign for Wilson disease. Last evaluated: 2022-04-07. Review status: criteria provided, single submitter. Criteria: ACMG Guidelines, 2015. Collection method: clinical testing. Allele origin: unknown.

NM_000053.4(ATP7B):c.1857C>A (p.Ile619=)

Gene: ATP7B (ATPase copper transporting beta; minus strand). Cytogenetic location: 13q14.3.
Variant type: single nucleotide variant.
Coding change: c.1857C>A on transcript NM_000053.4 (MANE Select); coding-DNA position 1857, C replaced by A.
Protein change: p.Ile619=; no amino-acid change (isoleucine 619 retained).
Molecular consequence: synonymous variant.
Genome position (GRCh38, 1-based): chr13:51,964,884, G>T on the plus strand (C>A on the coding strand, the complement: ATP7B is on the minus strand). VCF-style: chr13-51964884-G-T. GRCh37 (hg19) VCF-style: chr13-52539020-G-T.
Other names: c.1857C>A, p.Ile619= (NM_001005918.3, NM_001330578.2, NM_001330579.2); c.1524C>A, p.Ile508= (NM_001243182.2).
Identifiers: ClinVar variation 1086812 (VCV001086812.11), dbSNP rs765501756, ClinGen allele CA6989211.